The following is an entry in ClinVar:

ClinVar aggregate classification (germline): Benign/Likely benign. Review status: criteria provided, multiple submitters, no conflicts (2 of 4 stars). 2 submissions from 2 submitters: Benign (1); Likely benign (1). Last evaluated 2024-03-18.

Conditions:
Familial adenomatous polyposis 1 (FAP1). Also called: FAMILIAL ADENOMATOUS POLYPOSIS 1, ATTENUATED; POLYPOSIS, ADENOMATOUS INTESTINAL. Identifiers: MedGen C2713442, MONDO:0021056, OMIM 175100. Disease mechanism: loss of function.
Hereditary cancer-predisposing syndrome. Also called: Tumor predisposition; Neoplastic Syndromes, Hereditary; Hereditary Cancer Syndrome; Hereditary neoplastic syndrome. Identifiers: Orphanet 140162, MedGen C0027672, MeSH D009386, MONDO:0015356.

Allele frequency attached by ClinVar (database versions not stated): gnomAD exomes below 0.00001.
gnomAD v4.1: 6 of 1,614,030 alleles (0.00037%); highest among the groups gnomAD compares: Non-Finnish European, 0.00051%; no homozygotes.

Submissions (2):

Myriad Genetics, Inc.
Classification: Benign for Familial adenomatous polyposis 1. Last evaluated: 2024-03-18. Review status: criteria provided, single submitter. Criteria: Myriad Autosomal Dominant, Autosomal Recessive and X-Linked Classification Criteria (2023). Collection method: clinical testing. Allele origin: unknown.
Comment: This variant is considered benign. This variant is a silent/synonymous amino acid change and it is not expected to impact splicing.

Ambry Genetics
Classification: Likely benign for Hereditary cancer-predisposing syndrome. Last evaluated: 2021-06-13. Review status: criteria provided, single submitter. Criteria: Ambry Variant Classification Scheme 2023. Collection method: clinical testing. Allele origin: germline.

NM_000038.6(APC):c.3156C>T (p.Pro1052=)

Gene: APC (APC regulator of Wnt signaling pathway; plus strand). Cytogenetic location: 5q22.2.
Variant type: single nucleotide variant.
Coding change: c.3156C>T on transcript NM_000038.6 (MANE Select); coding-DNA position 3156, C replaced by T.
Protein change: p.Pro1052=; no amino-acid change (proline 1052 retained).
Molecular consequence: synonymous variant. On other transcripts: non-coding transcript variant (2).
Genome position (GRCh38, 1-based): chr5:112,838,750, C>T. VCF-style: chr5-112838750-C-T. GRCh37 (hg19) VCF-style: chr5-112174447-C-T.
Other names: c.2853C>T, p.Pro951= (NM_001407460.1, NM_001354903.2, NM_001407458.1 and 1 more transcripts); c.2769C>T, p.Pro923= (NM_001407467.1, NM_001407469.1); c.2307C>T, p.Pro769= (NM_001407470.1, NM_001354906.2); c.2004C>T, p.Pro668= (NM_001407471.1, NM_001407472.1); c.3156C>T, p.Pro1052= (NM_001127510.3, NM_001354895.2, NM_001407450.1); c.3102C>T, p.Pro1034= (NM_001127511.3); c.3210C>T, p.Pro1070= (NM_001354896.2, NM_001407447.1, NM_001407448.1 and 1 more transcripts); c.3186C>T, p.Pro1062= (NM_001354897.2); and 11 more.
Identifiers: ClinVar variation 1728235 (VCV001728235.2), dbSNP rs2149885598, ClinGen allele CA445963209.